The following is an entry in ClinVar:

ClinVar aggregate classification (germline): Uncertain significance (1 of 4 stars; one submission).

Conditions:
Familial meningioma. Also called: Meningioma, familial, susceptibility to. Identifiers: Orphanet 263662, MedGen C3551915, MONDO:0011789, OMIM 607174.

Submission:

Labcorp Genetics (formerly Invitae), Labcorp
Classification: Uncertain significance for Familial meningioma. Last evaluated: 2021-05-26. Review status: criteria provided, single submitter. Criteria: Invitae Variant Classification Sherloc (09022015). Collection method: clinical testing. Allele origin: germline.
Comment: In summary, the available evidence is currently insufficient to determine the role of this variant in disease. Therefore, it has been classified as a Variant of Uncertain Significance. Algorithms developed to predict the effect of missense changes on protein structure and function are either unavailable or do not agree on the potential impact of this missense change (SIFT: "Tolerated"; PolyPhen-2: "Possibly Damaging"; Align-GVGD: "Class C0"). This variant has not been reported in the literature in individuals with SMARCE1-related conditions. This variant is not present in population databases (ExAC no frequency). This sequence change replaces glutamic acid with aspartic acid at codon 283 of the SMARCE1 protein (p.Glu283Asp). The glutamic acid residue is highly conserved and there is a small physicochemical difference between glutamic acid and aspartic acid.

NM_003079.5(SMARCE1):c.849G>T (p.Glu283Asp)

Gene: SMARCE1 (SWI/SNF related BAF chromatin remodeling complex subunit E1; minus strand). Cytogenetic location: 17q21.2.
Variant type: single nucleotide variant.
Coding change: c.849G>T on transcript NM_003079.5 (MANE Select); coding-DNA position 849, G replaced by T.
Protein change: p.Glu283Asp; replaces glutamic acid 283 with aspartic acid.
Molecular consequence: missense variant.
Genome position (GRCh38, 1-based): chr17:40,630,892, C>A on the plus strand (G>T on the coding strand, the complement: SMARCE1 is on the minus strand). VCF-style: chr17-40630892-C-A. GRCh37 (hg19) VCF-style: chr17-38787144-C-A.
Other names: short protein forms E283D.
Identifiers: ClinVar variation 1493764 (VCV001493764.8), dbSNP rs2143985157, ClinGen allele CA399363882.